The following is an entry in ClinVar:

ClinVar aggregate classification (germline): Uncertain significance (1 of 4 stars; one submission).

Submission:

Ambry Genetics
Classification: Uncertain significance. Last evaluated: 2024-05-31. Review status: criteria provided, single submitter. Criteria: Ambry Variant Classification Scheme 2023. Collection method: clinical testing. Allele origin: germline.
Comment: Does not currently meet published gene-disease clinical validity criteria Based on insufficient or conflicting evidence, the clinical significance of this alteration remains unclear.

Literature cited by the submitters: PubMed 28106320.

NM_002458.3(MUC5B):c.2066-3C>G

Gene: MUC5B (mucin 5B, oligomeric mucus/gel-forming; plus strand). Cytogenetic location: 11p15.5.
Variant type: single nucleotide variant.
Coding change: c.2066-3C>G on transcript NM_002458.3 (MANE Select); 3 bases into the intron before coding-DNA position 2066, C replaced by G.
Molecular consequence: intron variant.
Genome position (GRCh38, 1-based): chr11:1,233,010, C>G. VCF-style: chr11-1233010-C-G. GRCh37 (hg19) VCF-style: chr11-1254240-C-G.
Identifiers: ClinVar variation 3296974 (VCV003296974.1).